The following is an entry in ClinVar:

ClinVar aggregate classification (germline): Uncertain significance (1 of 4 stars; one submission).

Conditions:
Severe combined immunodeficiency due to IKK2 deficiency. Also called: Immunodeficiency 15; IMMUNODEFICIENCY 15B. Identifiers: Orphanet 397787, MedGen C4747743, MONDO:0014267, OMIM 615592.

Submission:

Labcorp Genetics (formerly Invitae), Labcorp
Classification: Uncertain significance for Severe combined immunodeficiency due to IKK2 deficiency. Last evaluated: 2025-06-12. Review status: criteria provided, single submitter. Criteria: Invitae Variant Classification Sherloc (09022015). Collection method: clinical testing. Allele origin: germline.
Comment: This sequence change replaces alanine, which is neutral and non-polar, with serine, which is neutral and polar, at codon 567 of the IKBKB protein (p.Ala567Ser). This variant is not present in population databases (gnomAD no frequency). This variant has not been reported in the literature in individuals affected with IKBKB-related conditions. ClinVar contains an entry for this variant (Variation ID: 3667244). Invitae Evidence Modeling of protein sequence and biophysical properties (such as structural, functional, and spatial information, amino acid conservation, physicochemical variation, residue mobility, and thermodynamic stability) indicates that this missense variant is not expected to disrupt IKBKB protein function with a negative predictive value of 95%. In summary, the available evidence is currently insufficient to determine the role of this variant in disease. Therefore, it has been classified as a Variant of Uncertain Significance.

NM_001556.3(IKBKB):c.1699G>T (p.Ala567Ser)

Gene: IKBKB (inhibitor of nuclear factor kappa B kinase subunit beta; plus strand). Cytogenetic location: 8p11.21.
Variant type: single nucleotide variant.
Coding change: c.1699G>T on transcript NM_001556.3 (MANE Select); coding-DNA position 1699, G replaced by T.
Protein change: p.Ala567Ser; replaces alanine 567 with serine.
Molecular consequence: missense variant. On other transcripts: non-coding transcript variant (3).
Genome position (GRCh38, 1-based): chr8:42,321,906, G>T. VCF-style: chr8-42321906-G-T. GRCh37 (hg19) VCF-style: chr8-42179424-G-T.
Other names: c.1507G>T, p.Ala503Ser (NM_001190720.3); c.1522G>T, p.Ala508Ser (NM_001242778.2); short protein forms A567S, A503S, A508S.
Identifiers: ClinVar variation 3667244 (VCV003667244.2).